The following is an entry in ClinVar:

NM_001127208.3(TET2):c.1784A>G (p.Asn595Ser)

Genes: TET2 (tet methylcytosine dioxygenase 2; plus strand), TET2-AS1 (TET2 antisense RNA 1; minus strand). Cytogenetic location: 4q24.
Variant type: single nucleotide variant.
Coding change: c.1784A>G on transcript NM_001127208.3 (MANE Select); coding-DNA position 1784, A replaced by G.
Protein change: p.Asn595Ser; replaces asparagine 595 with serine.
Molecular consequence: missense variant.
Genome position (GRCh38, 1-based): chr4:105,235,726, A>G. VCF-style: chr4-105235726-A-G. GRCh37 (hg19) VCF-style: chr4-106156883-A-G.
Other names: c.1784A>G, p.Asn595Ser (NM_017628.4); short protein forms N595S.
Identifiers: ClinVar variation 4182945 (VCV004182945.1).
Genomic context (GRCh38, chr4:105,235,726, plus strand): 5'-CGGAATCCCATCTAAAACGTAATGAGGCATCACTGCCATCAATTCTTCAGTATCAACCCA[A>G]TCTCTCCAATCAAATGACCTCCAAACAATACACTGGAAATTCCAACATGCCTGGGGGGCT-3'
Protein context (NP_001120680.1, residues 585-605): SLPSILQYQP[Asn595Ser]LSNQMTSKQY

ClinVar aggregate classification (germline): Uncertain significance (1 of 4 stars; one submission).

gnomAD v4.1: 4 of 1,614,012 alleles (0.00025%); highest among the groups gnomAD compares: Non-Finnish European, 0.00034%; no homozygotes.

Submission:

Ambry Genetics
Classification: Uncertain significance. Last evaluated: 2025-07-03. Review status: criteria provided, single submitter. Criteria: Ambry Variant Classification Scheme 2023. Collection method: clinical testing. Allele origin: germline.
Comment: The p.N595S variant (also known as c.1784A>G), located in coding exon 1 of the TET2 gene, results from an A to G substitution at nucleotide position 1784. The asparagine at codon 595 is replaced by serine, an amino acid with highly similar properties. This amino acid position is conserved. In addition, this alteration is predicted to be tolerated by in silico analysis. Based on the available evidence, the clinical significance of this variant remains unclear.